The following is an entry in ClinVar:

NM_000138.5(FBN1):c.153C>A (p.Asp51Glu)

Gene: FBN1 (fibrillin 1; minus strand). Cytogenetic location: 15q21.1.
Variant type: single nucleotide variant.
Coding change: c.153C>A on transcript NM_000138.5 (MANE Select); coding-DNA position 153, C replaced by A.
Protein change: p.Asp51Glu; replaces aspartic acid 51 with glutamic acid.
Molecular consequence: missense variant.
Genome position (GRCh38, 1-based): chr15:48,644,617, G>T on the plus strand (C>A on the coding strand, the complement: FBN1 is on the minus strand). VCF-style: chr15-48644617-G-T. GRCh37 (hg19) VCF-style: chr15-48936814-G-T.
Other names: short protein forms D51E.
Identifiers: ClinVar variation 392242 (VCV000392242.9), dbSNP rs1057524406, ClinGen allele CA16607114.

ClinVar aggregate classification (germline): Conflicting classifications of pathogenicity. Review status: criteria provided, conflicting classifications (1 of 4 stars). 5 submissions from 5 submitters: Uncertain significance (4); Likely benign (1). Last evaluated 2025-08-07.

Conditions:
Marfan syndrome (MFS). Also called: Marfan syndrome, classic; Marfan syndrome type 1; Marfan's syndrome; MARFAN SYNDROME, TYPE I; FBN1-Related Marfan Syndrome. Identifiers: Orphanet 284963, Orphanet 558, MedGen C0024796, MONDO:0007947, OMIM 154700.
Familial thoracic aortic aneurysm and aortic dissection (TAAD). Also called: Thoracic aortic aneurysms and dissections. Identifiers: Orphanet 91387, MedGen C4707243, MONDO:0019625.

gnomAD v4.1: 2 of 1,614,120 alleles (0.00012%); highest among the groups gnomAD compares: Non-Finnish European, 0.000085%; no homozygotes.

Submissions (5):

Ambry Genetics
Classification: Uncertain significance for Familial thoracic aortic aneurysm and aortic dissection. Last evaluated: 2025-08-07. Review status: criteria provided, single submitter. Criteria: Ambry Variant Classification Scheme 2023. Collection method: clinical testing. Allele origin: germline.
Comment: The p.D51E variant (also known as c.153C>A), located in coding exon 1 of the FBN1 gene, results from a C to A substitution at nucleotide position 153. The aspartic acid at codon 51 is replaced by glutamic acid, an amino acid with highly similar properties. This amino acid position is highly conserved in available vertebrate species. In addition, the in silico prediction for this alteration is inconclusive. Based on the available evidence, the clinical significance of this variant remains unclear.

All of Us Research Program, National Institutes of Health
Classification: Uncertain significance for Marfan syndrome. Last evaluated: 2023-11-30. Review status: criteria provided, single submitter. Criteria: ACMG Guidelines, 2015. Collection method: clinical testing. Allele origin: germline. Inheritance: Autosomal dominant inheritance. Observed: 1 variant allele, 1 heterozygote.
Comment: This study involves interpretation of variants in research participants for the purpose of population health screening. Participant phenotype was not available at the time of variant classification. Additional details can be found in publication PMID: 35346344, PMCID: PMC8962531

GeneDx
Classification: Uncertain significance. Last evaluated: 2023-11-30. Review status: criteria provided, single submitter. Criteria: GeneDx Variant Classification Process June 2021. Collection method: clinical testing. Allele origin: germline. Affected: yes.
Comment: Not observed at significant frequency in large population cohorts (gnomAD); In silico analysis supports that this missense variant has a deleterious effect on protein structure/function; Has not been previously published as pathogenic or benign to our knowledge; Does not affect a cysteine residue within a calcium-binding EGF-like domain or a TGF-binding protein domain of the FBN1 gene; cysteine substitutions in the calcium-binding EGF-like domains represent the majority of pathogenic missense changes associated with FBN1-related disorders (PMID: 12938084); This variant is associated with the following publications: (PMID: 12938084)

Labcorp Genetics (formerly Invitae), Labcorp
Classification: Uncertain significance for Marfan syndrome; Familial thoracic aortic aneurysm and aortic dissection. Last evaluated: 2023-08-10. Review status: criteria provided, single submitter. Criteria: Invitae Variant Classification Sherloc (09022015). Collection method: clinical testing. Allele origin: germline.
Comment: In summary, the available evidence is currently insufficient to determine the role of this variant in disease. Therefore, it has been classified as a Variant of Uncertain Significance. Advanced modeling of protein sequence and biophysical properties (such as structural, functional, and spatial information, amino acid conservation, physicochemical variation, residue mobility, and thermodynamic stability) performed at Invitae indicates that this missense variant is not expected to disrupt FBN1 protein function. ClinVar contains an entry for this variant (Variation ID: 392242). This variant has not been reported in the literature in individuals affected with FBN1-related conditions. This variant is not present in population databases (gnomAD no frequency). This sequence change replaces aspartic acid, which is acidic and polar, with glutamic acid, which is acidic and polar, at codon 51 of the FBN1 protein (p.Asp51Glu).

Blueprint Genetics
Classification: Likely benign. Last evaluated: 2021-01-13. Review status: criteria provided, single submitter. Criteria: ACMG Guidelines, 2015. Collection method: clinical testing. Allele origin: germline.